The following is an entry in ClinVar:

NM_005236.3(ERCC4):c.2236A>G (p.Ile746Val)

Gene: ERCC4 (ERCC excision repair 4, endonuclease catalytic subunit; plus strand). Cytogenetic location: 16p13.12.
Variant type: single nucleotide variant.
Coding change: c.2236A>G on transcript NM_005236.3 (MANE Select); coding-DNA position 2236, A replaced by G.
Protein change: p.Ile746Val; replaces isoleucine 746 with valine.
Molecular consequence: missense variant.
Genome position (GRCh38, 1-based): chr16:13,947,832, A>G. VCF-style: chr16-13947832-A-G. GRCh37 (hg19) VCF-style: chr16-14041689-A-G.
Other names: c.2236A>G (NM_005236.2); short protein forms I746V.
Identifiers: ClinVar variation 1348588 (VCV001348588.9), dbSNP rs756050702, ClinGen allele CA394822651.

ClinVar aggregate classification (germline): Conflicting classifications of pathogenicity. Review status: criteria provided, conflicting classifications (1 of 4 stars). 2 submissions from 2 submitters: Uncertain significance (1); Likely benign (1). Last evaluated 2025-06-03.

Conditions:
Xeroderma pigmentosum, group F (XPF). Also called: XERODERMA PIGMENTOSUM, TYPE F; Xeroderma pigmentosum, type 6; XERODERMA PIGMENTOSUM, COMPLEMENTATION GROUP F; XERODERMA PIGMENTOSUM VI; XP, GROUP F; ERCC4-Related Xeroderma Pigmentosum. Identifiers: MedGen C0268140, MONDO:0010215, OMIM 278760.
Fanconi anemia complementation group Q. Identifiers: Orphanet 84, MedGen C3808988, MONDO:0014108, OMIM 615272.
Cockayne syndrome. Identifiers: Orphanet 191, MedGen C0009207, MONDO:0016006.
Inborn genetic diseases. Identifiers: MedGen C0950123, MeSH D030342.

Allele frequency attached by ClinVar (database versions not stated): TOPMed below 0.00001.

Submissions (2):

Ambry Genetics
Classification: Likely benign for Inborn genetic diseases. Last evaluated: 2025-06-03. Review status: criteria provided, single submitter. Criteria: Ambry Variant Classification Scheme 2023. Collection method: clinical testing. Allele origin: germline.

Labcorp Genetics (formerly Invitae), Labcorp
Classification: Uncertain significance for Fanconi anemia complementation group Q; Xeroderma pigmentosum, group F; Cockayne syndrome. Last evaluated: 2022-08-16. Review status: criteria provided, single submitter. Criteria: Invitae Variant Classification Sherloc (09022015). Collection method: clinical testing. Allele origin: germline.
Comment: In summary, the available evidence is currently insufficient to determine the role of this variant in disease. Therefore, it has been classified as a Variant of Uncertain Significance. Algorithms developed to predict the effect of missense changes on protein structure and function output the following: SIFT: "Tolerated"; PolyPhen-2: "Benign"; Align-GVGD: "Class C0". The valine amino acid residue is found in multiple mammalian species, which suggests that this missense change does not adversely affect protein function. ClinVar contains an entry for this variant (Variation ID: 1348588). This variant has not been reported in the literature in individuals affected with ERCC4-related conditions. This variant is not present in population databases (gnomAD no frequency). This sequence change replaces isoleucine, which is neutral and non-polar, with valine, which is neutral and non-polar, at codon 746 of the ERCC4 protein (p.Ile746Val).